The following is an entry in ClinVar:

NM_003590.5(CUL3):c.1514T>A (p.Val505Asp)

Gene: CUL3 (cullin 3; minus strand). Cytogenetic location: 2q36.2.
Variant type: single nucleotide variant.
Coding change: c.1514T>A on transcript NM_003590.5 (MANE Select); coding-DNA position 1514, T replaced by A.
Protein change: p.Val505Asp; replaces valine 505 with aspartic acid.
Molecular consequence: missense variant.
Genome position (GRCh38, 1-based): chr2:224,500,459, A>T on the plus strand (T>A on the coding strand, the complement: CUL3 is on the minus strand). VCF-style: chr2-224500459-A-T. GRCh37 (hg19) VCF-style: chr2-225365176-A-T.
Other names: c.1316T>A, p.Val439Asp (NM_001257197.2); c.1532T>A, p.Val511Asp (NM_001257198.2); short protein forms V439D, V505D, V511D.
Identifiers: ClinVar variation 3899281 (VCV003899281.1).

ClinVar aggregate classification (germline): Likely pathogenic (1 of 4 stars; one submission).

Conditions:
Neurodevelopmental disorder with or without autism or seizures (NEDAUS). Identifiers: MedGen C5543225, MONDO:0030994, OMIM 619239.

Submission:

Department of Clinical Genetics, Copenhagen University Hospital, Rigshospitalet
Classification: Likely pathogenic for Neurodevelopmental disorder with or without autism or seizures. Last evaluated: 2025-01-22. Review status: criteria provided, single submitter. Criteria: ACMG Guidelines, 2015. Collection method: clinical testing. Allele origin: de novo. Affected: yes.
Comment: The following ACMG criteria has been used: PS2_M; PM2_Sup; PP2_Sup; PP3_M